The following is an entry in ClinVar:

NM_014363.6(SACS):c.2374G>C (p.Glu792Gln)

Gene: SACS (sacsin molecular chaperone; minus strand). Cytogenetic location: 13q12.12.
Variant type: single nucleotide variant.
Coding change: c.2374G>C on transcript NM_014363.6 (MANE Select); coding-DNA position 2374, G replaced by C.
Protein change: p.Glu792Gln; replaces glutamic acid 792 with glutamine.
Molecular consequence: missense variant.
Genome position (GRCh38, 1-based): chr13:23,341,502, C>G on the plus strand (G>C on the coding strand, the complement: SACS is on the minus strand). VCF-style: chr13-23341502-C-G. GRCh37 (hg19) VCF-style: chr13-23915641-C-G.
Other names: c.1933G>C, p.Glu645Gln (NM_001278055.2); short protein forms E645Q, E792Q.
Identifiers: ClinVar variation 2582912 (VCV002582912.25), dbSNP rs1253142492, ClinGen allele CA387539177.

ClinVar aggregate classification (germline): Uncertain significance (1 of 4 stars; one submission).

Allele frequency attached by ClinVar (database versions not stated): TOPMed below 0.00001; gnomAD 0.00001; gnomAD exomes 0.00001.
gnomAD v4.1: 23 of 1,613,898 alleles (0.0014%); highest among the groups gnomAD compares: Non-Finnish European, 0.0019%; no homozygotes.

Submission:

CeGaT Center for Human Genetics Tuebingen
Classification: Uncertain significance. Last evaluated: 2023-09-01. Review status: criteria provided, single submitter. Criteria: CeGaT Center For Human Genetics Tuebingen Variant Classification Criteria Version 2. Collection method: clinical testing. Allele origin: germline. Affected: yes. Observed: 1 variant allele.
Comment: SACS: PM2, BP4